The following is an entry in ClinVar:

ClinVar aggregate classification (germline): Uncertain significance (1 of 4 stars; one submission).

Submission:

GeneDx
Classification: Uncertain significance. Last evaluated: 2023-10-20. Review status: criteria provided, single submitter. Criteria: GeneDx Variant Classification Process June 2021. Collection method: clinical testing. Allele origin: germline. Affected: yes.
Comment: Has not been previously published as pathogenic or benign to our knowledge; Not observed at significant frequency in large population cohorts (gnomAD); In silico analysis supports that this missense variant does not alter protein structure/function

NM_002430.3(MN1):c.2044G>A (p.Glu682Lys)

Gene: MN1 (MN1 proto-oncogene, transcriptional regulator; minus strand). Cytogenetic location: 22q12.1.
Variant type: single nucleotide variant.
Coding change: c.2044G>A on transcript NM_002430.3 (MANE Select); coding-DNA position 2044, G replaced by A.
Protein change: p.Glu682Lys; replaces glutamic acid 682 with lysine.
Molecular consequence: missense variant.
Genome position (GRCh38, 1-based): chr22:27,798,500, C>T on the plus strand (G>A on the coding strand, the complement: MN1 is on the minus strand). VCF-style: chr22-27798500-C-T. GRCh37 (hg19) VCF-style: chr22-28194488-C-T.
Other names: short protein forms E682K.
Identifiers: ClinVar variation 3363239 (VCV003363239.1).
Genomic context (GRCh38, chr22:27,798,500, plus strand): 5'-ACTGCAGGCCCGGTGAAGGCAGCGCGGGCACGTGGCCCTCTCCGGGCATCCTCATCGGCT[C>T]CTGCAGAGGGCCCCGGAACAGCACCCCCGAGCCACCAGGCGGAGGAGGGGGCGCCAGGCT-3'
Protein context (NP_002421.3, residues 672-692): SGVLFRGPLQ[Glu682Lys]PMRMPGEGHV